The following is an entry in ClinVar:

NM_000038.6(APC):c.5768C>A (p.Pro1923His)

Gene: APC (APC regulator of Wnt signaling pathway; plus strand). Cytogenetic location: 5q22.2.
Variant type: single nucleotide variant.
Coding change: c.5768C>A on transcript NM_000038.6 (MANE Select); coding-DNA position 5768, C replaced by A.
Protein change: p.Pro1923His; replaces proline 1923 with histidine.
Molecular consequence: missense variant. On other transcripts: non-coding transcript variant (2).
Genome position (GRCh38, 1-based): chr5:112,841,362, C>A. VCF-style: chr5-112841362-C-A. GRCh37 (hg19) VCF-style: chr5-112177059-C-A.
Other names: c.5768C>A, p.Pro1923His (NM_001127510.3, NM_001354895.2, NM_001407450.1); c.5714C>A, p.Pro1905His (NM_001127511.3); c.5822C>A, p.Pro1941His (NM_001354896.2, NM_001407447.1, NM_001407448.1 and 1 more transcripts); c.5798C>A, p.Pro1933His (NM_001354897.2); c.5693C>A, p.Pro1898His (NM_001354898.2); c.5684C>A, p.Pro1895His (NM_001354899.2); c.5645C>A, p.Pro1882His (NM_001354900.2); c.5591C>A, p.Pro1864His (NM_001354901.2, NM_001407453.1); and 11 more; short protein forms P1794H, P1797H, P1951H, P1822H, P1913H, P1916H, P1941H, P1640H.
Identifiers: ClinVar variation 2566981 (VCV002566981.2), dbSNP rs1561602450, ClinGen allele CA16033952.

ClinVar aggregate classification (germline): Uncertain significance (1 of 4 stars; one submission).

Conditions:
Hereditary cancer-predisposing syndrome. Also called: Hereditary neoplastic syndrome; Hereditary Cancer Syndrome; Neoplastic Syndromes, Hereditary; Tumor predisposition. Identifiers: Orphanet 140162, MedGen C0027672, MeSH D009386, MONDO:0015356.

Submission:

Ambry Genetics
Classification: Uncertain significance for Hereditary cancer-predisposing syndrome. Last evaluated: 2023-04-18. Review status: criteria provided, single submitter. Criteria: Ambry Variant Classification Scheme 2023. Collection method: clinical testing. Allele origin: germline.
Comment: The p.P1923H variant (also known as c.5768C>A), located in coding exon 15 of the APC gene, results from a C to A substitution at nucleotide position 5768. The proline at codon 1923 is replaced by histidine, an amino acid with similar properties. This amino acid position is conserved. In addition, in silico predictors for this gene do not accurately predict pathogenicity. Since supporting evidence is limited at this time, the clinical significance of this alteration remains unclear.